The following is an entry in ClinVar:

NM_000264.5(PTCH1):c.1350del (p.Ala451fs)

Gene: PTCH1 (patched 1; minus strand). Cytogenetic location: 9q22.32.
Variant type: Deletion.
Coding change: c.1350del on transcript NM_000264.5 (MANE Select); coding-DNA position 1350, one base deleted (C; older notation c.1350delC).
Protein change: p.Ala451fs; shifts the reading frame from alanine 451.
Molecular consequence: frameshift variant. On other transcripts: non-coding transcript variant (1), intron variant (1).
Genome position (GRCh38, 1-based): chr9:95,477,700, G deleted on the plus strand (C on the coding strand, the reverse complement: PTCH1 is on the minus strand). VCF-style (leftmost placement, unchanged base first): chr9-95477699-CG-C. GRCh37 (hg19) VCF-style: chr9-98239981-CG-C.
Other names: c.1152del, p.Ala385fs (NM_001083602.3); c.1347del, p.Ala450fs (NM_001083603.3); c.897del, p.Ala300fs (NM_001083604.3, NM_001083605.3, NM_001083606.3 and 1 more transcripts); c.1347+355del (NM_001354918.2); short protein forms A300fs, A451fs, A385fs, A450fs.
Identifiers: ClinVar variation 818931 (VCV000818931.4), dbSNP rs1588601051, ClinGen allele CA466120673.

ClinVar aggregate classification (germline): Pathogenic (1 of 4 stars; one submission).

Conditions:
Hereditary cancer-predisposing syndrome. Also called: Tumor predisposition; Hereditary neoplastic syndrome; Neoplastic Syndromes, Hereditary; Hereditary Cancer Syndrome. Identifiers: Orphanet 140162, MedGen C0027672, MeSH D009386, MONDO:0015356.

Submission:

Ambry Genetics
Classification: Pathogenic for Hereditary cancer-predisposing syndrome. Last evaluated: 2018-10-29. Review status: criteria provided, single submitter. Criteria: Ambry Variant Classification Scheme 2023. Collection method: clinical testing. Allele origin: germline.
Comment: The c.1350delC variant, located in coding exon 10 of the PTCH1 gene, results from a deletion of one nucleotide at nucleotide position 1350, causing a translational frameshift with a predicted alternate stop codon (p.A451Pfs*5). This alteration has been reported as a somatic finding in large scale anaplastic medulloblastomas and an embryonal tumor with multilayered rosettes (Thompson MC et al. J. Clin. Oncol. 2006 Apr;24:1924-31; Schwalbe EC et al. Clin. Cancer Res. 2011 Apr;17:1883-94; Neumann JE et al. Nat. Med. 2017 Oct;23:1191-1202). In addition to the clinical data presented in the literature, this alteration is expected to result in loss of function by premature protein truncation or nonsense-mediated mRNA decay. As such, this alteration is interpreted as a disease-causing mutation.

Literature cited by the submitters: PubMed 16567768; PubMed 21325292; PubMed 28892064.